The following is an entry in ClinVar:

NM_182977.3(NNT):c.743C>T (p.Ser248Leu)

Gene: NNT (nicotinamide nucleotide transhydrogenase; plus strand). Cytogenetic location: 5p12.
Variant type: single nucleotide variant.
Coding change: c.743C>T on transcript NM_182977.3 (MANE Select); coding-DNA position 743, C replaced by T.
Protein change: p.Ser248Leu; replaces serine 248 with leucine.
Molecular consequence: missense variant.
Genome position (GRCh38, 1-based): chr5:43,624,087, C>T. VCF-style: chr5-43624087-C-T. GRCh37 (hg19) VCF-style: chr5-43624189-C-T.
Other names: c.350C>T, p.Ser117Leu (NM_001331026.2); c.743C>T, p.Ser248Leu (NM_012343.4); short protein forms S117L, S248L.
Identifiers: ClinVar variation 3920564 (VCV003920564.2).

ClinVar aggregate classification (germline): Uncertain significance. Review status: criteria provided, multiple submitters, no conflicts (2 of 4 stars). 2 submissions from 2 submitters: Uncertain significance (2). Last evaluated 2025-03-30.

Conditions:
Inborn genetic diseases. Identifiers: MedGen C0950123, MeSH D030342.
NNT-related disorder. Also called: NNT-related condition.

gnomAD v4.1: 65 of 1,613,984 alleles (0.004%); highest among the groups gnomAD compares: Middle Eastern, 0.049%; no homozygotes.

Submissions (2):

Ambry Genetics
Classification: Uncertain significance for Inborn genetic diseases. Last evaluated: 2025-03-30. Review status: criteria provided, single submitter. Criteria: Ambry Variant Classification Scheme 2023. Collection method: clinical testing. Allele origin: germline.

PreventionGenetics, part of Exact Sciences
Classification: Uncertain significance for NNT-related condition. Last evaluated: 2025-03-28. Review status: criteria provided, single submitter. Criteria: ACMG Guidelines, 2015. Collection method: clinical testing. Allele origin: germline.
Comment: The NNT c.743C>T variant is predicted to result in the amino acid substitution p.Ser248Leu. To our knowledge, this variant has not been reported in the literature. This variant is reported in 0.024% of alleles in individuals of African descent in gnomAD. At this time, the clinical significance of this variant is uncertain due to the absence of conclusive functional and genetic evidence.